The following is an entry in ClinVar:

NM_006912.6(RIT1):c.134G>T (p.Arg45Leu)

Gene: RIT1 (Ras like without CAAX 1; minus strand). Cytogenetic location: 1q22.
Variant type: single nucleotide variant.
Coding change: c.134G>T on transcript NM_006912.6 (MANE Select); coding-DNA position 134, G replaced by T.
Protein change: p.Arg45Leu; replaces arginine 45 with leucine.
Molecular consequence: missense variant.
Genome position (GRCh38, 1-based): chr1:155,910,479, C>A on the plus strand (G>T on the coding strand, the complement: RIT1 is on the minus strand). VCF-style: chr1-155910479-C-A. GRCh37 (hg19) VCF-style: chr1-155880270-C-A.
Other names: c.26G>T, p.Arg9Leu (NM_001256820.2); c.185G>T, p.Arg62Leu (NM_001256821.2); short protein forms R45L, R62L, R9L.
Identifiers: ClinVar variation 1022388 (VCV001022388.8), dbSNP rs1673569021, ClinGen allele CA342776008.

ClinVar aggregate classification (germline): Uncertain significance (1 of 4 stars; one submission).

Conditions:
Noonan syndrome 8 (NS8). Identifiers: Orphanet 648, MedGen C3809233, MONDO:0014143, OMIM 615355.

Submission:

Labcorp Genetics (formerly Invitae), Labcorp
Classification: Uncertain significance for Noonan syndrome 8. Last evaluated: 2020-09-29. Review status: criteria provided, single submitter. Criteria: Invitae Variant Classification Sherloc (09022015). Collection method: clinical testing. Allele origin: germline.
Comment: This sequence change replaces arginine with leucine at codon 45 of the RIT1 protein (p.Arg45Leu). The arginine residue is highly conserved and there is a moderate physicochemical difference between arginine and leucine. This variant is not present in population databases (ExAC no frequency). This variant has not been reported in the literature in individuals with RIT1-related conditions. Advanced modeling of protein sequence and biophysical properties (such as structural, functional, and spatial information, amino acid conservation, physicochemical variation, residue mobility, and thermodynamic stability) performed at Invitae indicates that this missense variant is not expected to disrupt RIT1 protein function. In summary, the available evidence is currently insufficient to determine the role of this variant in disease. Therefore, it has been classified as a Variant of Uncertain Significance.